The following is an entry in ClinVar:

NC_000021.8:g.(?_34713285)_(34713500_?)del

Gene: IFNAR1 (interferon alpha and beta receptor subunit 1; plus strand). Cytogenetic location: 21q22.11.
Variant type: Deletion.
Identifiers: ClinVar variation 2423334 (VCV002423334.4).

ClinVar aggregate classification (germline): Pathogenic (1 of 4 stars; one submission).

Submission:

Labcorp Genetics (formerly Invitae), Labcorp
Classification: Pathogenic. Last evaluated: 2022-05-19. Review status: criteria provided, single submitter. Criteria: Invitae Variant Classification Sherloc (09022015). Collection method: clinical testing. Allele origin: germline.
Comment: For these reasons, this variant has been classified as Pathogenic. This variant has not been reported in the literature in individuals affected with IFNAR1-related conditions. This variant is a gross deletion of the genomic region encompassing exon(s) 3 of the IFNAR1 gene. This deletion is out-of-frame, and is expected to create a premature termination codon and result in an absent or disrupted protein product. Loss-of-function variants in IFNAR1 are known to be pathogenic (PMID: 31270247, 32960813).

Literature cited by the submitters: PubMed 31270247; PubMed 32960813.